The following is an entry in ClinVar:

ClinVar aggregate classification (germline): Uncertain significance (1 of 4 stars; one submission).

Conditions:
Acute myeloid leukemia (AML). Also called: Acute myeloid leukemia, adult; AML adult; Acute non-lymphocytic leukemia; Acute granulocytic leukemia; Leukemia, acute myeloid, somatic; Leukemia, acute myelogenous, somatic. Identifiers: Orphanet 519, MedGen C0023467, MeSH D015470, MONDO:0018874, OMIM 601626, HP:0004808. Disease mechanism: Constitutively activated FLT3.

Submission:

Institute for Genomic Medicine (IGM) Clinical Laboratory, Nationwide Children's Hospital
Classification: Uncertain significance for Acute myeloid leukemia. Last evaluated: 2025-04-01. Review status: criteria provided, single submitter. Criteria: ACMG Guidelines, 2015. Collection method: clinical testing. Allele origin: germline.
Comment: This variant is predicted to result in loss of function through nonsense-mediated decay of the encoded transcript or premature truncation of the encoded protein in a gene in which loss of function is a known mechanism of disease (ACMG/AMP: PVS1_Supporting). This variant is absent from or present at an exceedingly low frequency in gnomAD, a large-scale control population database (ACMG/AMP: PM2).

NM_004364.5(CEBPA):c.3G>A (p.Met1Ile)

Genes: CEBPA (CCAAT enhancer binding protein alpha; minus strand), LOC130064183 (ATAC-STARR-seq lymphoblastoid silent region 10495; plus strand). Cytogenetic location: 19q13.11.
Variant type: single nucleotide variant.
Coding change: c.3G>A on transcript NM_004364.5 (MANE Select); coding-DNA position 3, G replaced by A.
Protein change: p.Met1Ile; changes the start codon (methionine 1).
Molecular consequence: missense variant, initiator codon variant. On other transcripts: 5 prime UTR variant (2).
Genome position (GRCh38, 1-based): chr19:33,302,412, C>T on the plus strand (G>A on the coding strand, the complement: CEBPA is on the minus strand). VCF-style: chr19-33302412-C-T. GRCh37 (hg19) VCF-style: chr19-33793318-C-T.
Other names: c.-355G>A (NM_001285829.2); c.108G>A, p.Met36Ile (NM_001287424.2); c.-40G>A (NM_001287435.2); short protein forms M1I, M36I.
Identifiers: ClinVar variation 4759272 (VCV004759272.1).